The following is an entry in ClinVar:

NM_002838.5(PTPRC):c.196G>A (p.Glu66Lys)

Gene: PTPRC (protein tyrosine phosphatase receptor type C; plus strand). Cytogenetic location: 1q31.3.
Variant type: single nucleotide variant.
Coding change: c.196G>A on transcript NM_002838.5 (MANE Select); coding-DNA position 196, G replaced by A.
Protein change: p.Glu66Lys; replaces glutamic acid 66 with lysine.
Molecular consequence: missense variant. On other transcripts: intron variant (1).
Genome position (GRCh38, 1-based): chr1:198,696,807, G>A. VCF-style: chr1-198696807-G-A. GRCh37 (hg19) VCF-style: chr1-198665936-G-A.
Other names: c.100+4434G>A (NM_080921.4); c.190G>A (NM_002838.3); short protein forms E66K.
Identifiers: ClinVar variation 1026840 (VCV001026840.11), dbSNP rs776696394, ClinGen allele CA1314428.

ClinVar aggregate classification (germline): Uncertain significance. Review status: criteria provided, multiple submitters, no conflicts (2 of 4 stars). 3 submissions from 3 submitters: Uncertain significance (3). Last evaluated 2025-06-27.

Conditions:
Inborn genetic diseases. Identifiers: MedGen C0950123, MeSH D030342.
Immunodeficiency 104. Also called: Severe Combined Immune Deficiency, Autosomal Recessive, TCell -Negative, B Cell-Positive, NK Cell-Positive, IL7R-Related; IMMUNODEFICIENCY 104, SEVERE COMBINED; SCID, AUTOSOMAL RECESSIVE, T CELL-NEGATIVE, B CELL-POSITIVE, NK CELL-POSITIVE; Severe combined immunodeficiency, autosomal recessive, T cell-negative, B cell-positive, NK cell-positive. Identifiers: MedGen C5676890, MONDO:0012163, OMIM 608971.

Allele frequency attached by ClinVar (database versions not stated): ExAC 0.00003; gnomAD exomes 0.00003; gnomAD 0.00005 and 0.00006; TOPMed 0.00005.
gnomAD v4.1: 119 of 1,613,852 alleles (0.0074%); highest among the groups gnomAD compares: Non-Finnish European, 0.0094%; no homozygotes.

Submissions (3):

Ambry Genetics
Classification: Uncertain significance for Inborn genetic diseases. Last evaluated: 2025-06-27. Review status: criteria provided, single submitter. Criteria: Ambry Variant Classification Scheme 2023. Collection method: clinical testing. Allele origin: germline.

Blueprint Genetics
Classification: Uncertain significance. Last evaluated: 2024-08-29. Review status: criteria provided, single submitter. Criteria: ACMG Guidelines, 2015. Collection method: clinical testing. Allele origin: germline.

Labcorp Genetics (formerly Invitae), Labcorp
Classification: Uncertain significance for Immunodeficiency 104. Last evaluated: 2022-06-22. Review status: criteria provided, single submitter. Criteria: Invitae Variant Classification Sherloc (09022015). Collection method: clinical testing. Allele origin: germline.
Comment: This sequence change replaces glutamic acid, which is acidic and polar, with lysine, which is basic and polar, at codon 66 of the PTPRC protein (p.Glu66Lys). This variant is present in population databases (rs776696394, gnomAD 0.008%). This variant has not been reported in the literature in individuals affected with PTPRC-related conditions. ClinVar contains an entry for this variant (Variation ID: 1026840). Algorithms developed to predict the effect of missense changes on protein structure and function are either unavailable or do not agree on the potential impact of this missense change (SIFT: "Tolerated"; PolyPhen-2: "Possibly Damaging"; Align-GVGD: "Class C0"). In summary, the available evidence is currently insufficient to determine the role of this variant in disease. Therefore, it has been classified as a Variant of Uncertain Significance.